The following is an entry in ClinVar:

ClinVar aggregate classification (germline): Conflicting classifications of pathogenicity. Review status: criteria provided, conflicting classifications (1 of 4 stars). 6 submissions from 6 submitters: Uncertain significance (5); Likely benign (1). Last evaluated 2025-08-27.

Conditions:
Nephronophthisis 4 (NPHP4). Also called: NEPHRONOPHTHISIS 4, JUVENILE. Identifiers: Orphanet 655, MedGen C1847013, MONDO:0011752, OMIM 606966.
Senior-Loken syndrome 4 (SLSN4). Identifiers: Orphanet 3156, MedGen C1846979, MONDO:0011756, OMIM 606996.
Nephronophthisis. Also called: Juvenile Nephronophthisis. Identifiers: Orphanet 655, MedGen C0687120, MONDO:0019005, HP:0000090.
Inborn genetic diseases. Identifiers: MedGen C0950123, MeSH D030342.

Allele frequency attached by ClinVar (database versions not stated): gnomAD exomes 0.00002 and 0.00004; ExAC 0.00007; ESP Exome Variant Server 0.00016; TOPMed 0.00027; gnomAD 0.00029.
gnomAD v4.1: 68 of 1,597,470 alleles (0.0043%); highest among the groups gnomAD compares: African/African-American, 0.073%; no homozygotes.

Submissions (6):

Mayo Clinic Laboratories, Mayo Clinic
Classification: Uncertain significance. Last evaluated: 2025-08-27. Review status: criteria provided, single submitter. Criteria: ACMG Guidelines, 2015. Collection method: clinical testing. Allele origin: germline. Observed: 1 variant allele.
Comment: BP4

Labcorp Genetics (formerly Invitae), Labcorp
Classification: Uncertain significance for Nephronophthisis. Last evaluated: 2024-10-22. Review status: criteria provided, single submitter. Criteria: Invitae Variant Classification Sherloc (09022015). Collection method: clinical testing. Allele origin: germline.
Comment: This sequence change replaces alanine, which is neutral and non-polar, with valine, which is neutral and non-polar, at codon 940 of the NPHP4 protein (p.Ala940Val). This variant is present in population databases (rs200136271, gnomAD 0.06%). This variant has not been reported in the literature in individuals affected with NPHP4-related conditions. ClinVar contains an entry for this variant (Variation ID: 596431). An algorithm developed to predict the effect of missense changes on protein structure and function outputs the following: PolyPhen-2: "Benign". The valine amino acid residue is found in multiple mammalian species, which suggests that this missense change does not adversely affect protein function. In summary, the available evidence is currently insufficient to determine the role of this variant in disease. Therefore, it has been classified as a Variant of Uncertain Significance.

Fulgent Genetics
Classification: Uncertain significance for Nephronophthisis 4; Senior-Loken syndrome 4. Last evaluated: 2024-01-25. Review status: criteria provided, single submitter. Criteria: ACMG Guidelines, 2015. Collection method: clinical testing. Allele origin: germline.

Blueprint Genetics
Classification: Likely benign. Last evaluated: 2023-01-04. Review status: criteria provided, single submitter. Criteria: ACMG Guidelines, 2015. Collection method: clinical testing. Allele origin: germline.

Ambry Genetics
Classification: Uncertain significance for Inborn genetic diseases. Last evaluated: 2021-09-16. Review status: criteria provided, single submitter. Criteria: Ambry Variant Classification Scheme 2023. Collection method: clinical testing. Allele origin: germline.

Eurofins Ntd Llc (ga)
Classification: Uncertain significance. Last evaluated: 2018-03-06. Review status: criteria provided, single submitter. Criteria: EGL ClinVar v180209 classification definitions. Collection method: clinical testing. Allele origin: germline. Observed: 2 variant alleles, 2 heterozygotes.

NM_015102.5(NPHP4):c.2819C>T (p.Ala940Val)

Gene: NPHP4 (nephrocystin 4; minus strand). Cytogenetic location: 1p36.31.
Variant type: single nucleotide variant.
Coding change: c.2819C>T on transcript NM_015102.5 (MANE Select); coding-DNA position 2819, C replaced by T.
Protein change: p.Ala940Val; replaces alanine 940 with valine.
Molecular consequence: missense variant. On other transcripts: non-coding transcript variant (1).
Genome position (GRCh38, 1-based): chr1:5,875,099, G>A on the plus strand (C>T on the coding strand, the complement: NPHP4 is on the minus strand). VCF-style: chr1-5875099-G-A. GRCh37 (hg19) VCF-style: chr1-5935159-G-A.
Other names: p.Ala940Val; c.1280C>T, p.Ala427Val (NM_001291593.2); c.1283C>T, p.Ala428Val (NM_001291594.2); c.2819C>T (NM_015102.3); short protein forms A940V, A427V, A428V.
Identifiers: ClinVar variation 596431 (VCV000596431.14), dbSNP rs200136271, ClinGen allele CA553911.